The following is an entry in ClinVar:

ClinVar aggregate classification (germline): Uncertain significance. Review status: criteria provided, multiple submitters, no conflicts (2 of 4 stars). 2 submissions from 2 submitters: Uncertain significance (2). Last evaluated 2025-05-10.

Submissions (2):

GeneDx
Classification: Uncertain significance. Last evaluated: 2025-05-10. Review status: criteria provided, single submitter. Criteria: GeneDx Variant Classification Process June 2021. Collection method: clinical testing. Allele origin: germline.
Comment: Not observed at significant frequency in large population cohorts (gnomAD); In silico analysis suggests that this missense variant does not alter protein structure/function; Has not been previously published as pathogenic or benign to our knowledge

Labcorp Genetics (formerly Invitae), Labcorp
Classification: Uncertain significance. Last evaluated: 2023-10-22. Review status: criteria provided, single submitter. Criteria: Invitae Variant Classification Sherloc (09022015). Collection method: clinical testing. Allele origin: germline.
Comment: This sequence change replaces methionine, which is neutral and non-polar, with isoleucine, which is neutral and non-polar, at codon 593 of the ARID1B protein (p.Met593Ile). This variant is not present in population databases (gnomAD no frequency). This variant has not been reported in the literature in individuals affected with ARID1B-related conditions. ClinVar contains an entry for this variant (Variation ID: 2502795). An algorithm developed to predict the effect of missense changes on protein structure and function (PolyPhen-2) suggests that this variant is likely to be tolerated. In summary, the available evidence is currently insufficient to determine the role of this variant in disease. Therefore, it has been classified as a Variant of Uncertain Significance.

NM_001374828.1(ARID1B):c.1989G>C (p.Met663Ile)

Gene: ARID1B (AT-rich interaction domain 1B; plus strand). Cytogenetic location: 6q25.3.
Variant type: single nucleotide variant.
Coding change: c.1989G>C on transcript NM_001374828.1 (MANE Select); coding-DNA position 1989, G replaced by C.
Protein change: p.Met663Ile; replaces methionine 663 with isoleucine.
Molecular consequence: missense variant.
Genome position (GRCh38, 1-based): chr6:156,901,378, G>C. VCF-style: chr6-156901378-G-C. GRCh37 (hg19) VCF-style: chr6-157222512-G-C.
Other names: c.1779G>C, p.Met593Ile (NM_020732.3); c.1566G>C, p.Met522Ile (NM_175863.2); c.1740G>C, p.Met580Ile (NM_001346813.1); c.2028G>C, p.Met676Ile (NM_001371656.1, NM_001374820.1); c.1989G>C, p.Met663Ile (NM_017519.3); short protein forms M522I, M580I, M593I, M663I, M676I.
Identifiers: ClinVar variation 2502795 (VCV002502795.5), dbSNP rs2534822774, ClinGen allele CA366380599.